The following is an entry in ClinVar:

ClinVar aggregate classification (germline): Uncertain significance. Review status: criteria provided, multiple submitters, no conflicts (2 of 4 stars). 3 submissions from 3 submitters: Uncertain significance (3). Last evaluated 2026-02-17.

Conditions:
Cardiovascular phenotype. Identifiers: MedGen CN230736.
Ehlers-Danlos syndrome, musculocontractural type (EDSMC). Also called: Adducted thumb, clubfoot, progressive joint and skin laxity syndrome; ARTHROGRYPOSIS, DISTAL, WITH PECULIAR FACIES AND HYDRONEPHROSIS; ADDUCTED THUMB-CLUBFOOT SYNDROME; DUNDAR SYNDROME. Identifiers: Orphanet 2953, MedGen C1866294, MONDO:0011142.

Allele frequency attached by ClinVar (database versions not stated): gnomAD 0.00001.

Submissions (3):

Women's Health and Genetics/Laboratory Corporation of America, LabCorp
Classification: Uncertain significance. Last evaluated: 2026-02-17. Review status: criteria provided, single submitter. Criteria: LabCorp Variant Classification Summary - May 2015. Collection method: clinical testing. Allele origin: germline.
Comment: Variant summary: CHST14 c.43G>C (p.Ala15Pro) results in a non-conservative amino acid change in the encoded protein sequence. Algorithms developed to predict the effect of missense changes on protein structure and function are either unavailable or do not agree on the potential impact of this missense change. The frequency data for this variant in gnomAD is considered unreliable, as metrics indicate poor data quality at this position. To our knowledge, no occurrence of c.43G>C in individuals affected with CHST14-related conditions and no experimental evidence demonstrating its impact on protein function have been reported. ClinVar contains an entry for this variant (Variation ID: 1385916). Based on the evidence outlined above, the variant was classified as uncertain significance.

Labcorp Genetics (formerly Invitae), Labcorp
Classification: Uncertain significance for Ehlers-Danlos syndrome, musculocontractural type. Last evaluated: 2021-03-22. Review status: criteria provided, single submitter. Criteria: Invitae Variant Classification Sherloc (09022015). Collection method: clinical testing. Allele origin: germline.
Comment: In summary, the available evidence is currently insufficient to determine the role of this variant in disease. Therefore, it has been classified as a Variant of Uncertain Significance. Algorithms developed to predict the effect of missense changes on protein structure and function output the following: SIFT: "Tolerated"; PolyPhen-2: "Benign"; Align-GVGD: "Class C0". The proline amino acid residue is found in multiple mammalian species, suggesting that this missense change does not adversely affect protein function. These predictions have not been confirmed by published functional studies and their clinical significance is uncertain. This variant has not been reported in the literature in individuals with CHST14-related conditions. The frequency data for this variant in the population databases is considered unreliable, as metrics indicate insufficient coverage at this position in the ExAC database. This sequence change replaces alanine with proline at codon 15 of the CHST14 protein (p.Ala15Pro). The alanine residue is moderately conserved and there is a small physicochemical difference between alanine and proline.

Ambry Genetics
Classification: Uncertain significance for Cardiovascular phenotype. Last evaluated: 2020-09-18. Review status: criteria provided, single submitter. Criteria: Ambry Variant Classification Scheme 2023. Collection method: clinical testing. Allele origin: germline.
Comment: The p.A15P variant (also known as c.43G>C), located in coding exon 1 of the CHST14 gene, results from a G to C substitution at nucleotide position 43. The alanine at codon 15 is replaced by proline, an amino acid with highly similar properties. This amino acid position is well conserved in available vertebrate species. In addition, this alteration is predicted to be tolerated by in silico analysis. Since supporting evidence is limited at this time, the clinical significance of this alteration remains unclear.

NM_130468.4(CHST14):c.43G>C (p.Ala15Pro)

Genes: CHST14 (carbohydrate sulfotransferase 14; plus strand), LOC130056851 (ATAC-STARR-seq lymphoblastoid silent region 6336; plus strand). Cytogenetic location: 15q15.1.
Variant type: single nucleotide variant.
Coding change: c.43G>C on transcript NM_130468.4 (MANE Select); coding-DNA position 43, G replaced by C.
Protein change: p.Ala15Pro; replaces alanine 15 with proline.
Molecular consequence: missense variant.
Genome position (GRCh38, 1-based): chr15:40,471,256, G>C. VCF-style: chr15-40471256-G-C. GRCh37 (hg19) VCF-style: chr15-40763455-G-C.
Other names: short protein forms A15P.
Identifiers: ClinVar variation 1385916 (VCV001385916.9), dbSNP rs1235160320, ClinGen allele CA391761898.
Genomic context (GRCh38, chr15:40,471,256, plus strand): 5'-CCCCACCCCTTGAGCACCATGTTCCCCCGCCCGCTGACCCCGCTGGCGGCCCCAAATGGC[G>C]CCGAGCCCCTGGGCCGGGCGCTGAGGCGGGCCCCTCTGGGCAGGGCCCGGGCGGGGCTGG-3'
Protein context (NP_569735.1, residues 5-25): PLTPLAAPNG[Ala15Pro]EPLGRALRRA